The following is an entry in ClinVar:

NM_177438.3(DICER1):c.*2050G>C

Gene: DICER1 (dicer 1, ribonuclease III; minus strand). Cytogenetic location: 14q32.13.
Variant type: single nucleotide variant.
Coding change: c.*2050G>C on transcript NM_177438.3 (MANE Select); 2050 bases downstream of the stop codon, G replaced by C.
Molecular consequence: 3 prime UTR variant.
Genome position (GRCh38, 1-based): chr14:95,088,448, C>G on the plus strand (G>C on the coding strand, the complement: DICER1 is on the minus strand). VCF-style: chr14-95088448-C-G. GRCh37 (hg19) VCF-style: chr14-95554785-C-G.
Other names: c.*2166G>C (NM_001195573.1); c.*2050G>C (NM_001271282.3, NM_001291628.2, NM_030621.4).
Identifiers: ClinVar variation 315070 (VCV000315070.6), dbSNP rs182848457, ClinGen allele CA10635606.
Genomic context (GRCh38, chr14:95,088,448, plus strand): 5'-GCAAAGCCCTAAGCTCCTGGCATCAGGTAGTTTATAAATATTAAGAGATTTGTGATTAAA[C>G]TTGATCACAAATCACCCTCAGAATAAAATTCACATCCAGCCTTGTTAACTGCACACTTTT-3'

ClinVar aggregate classification (germline): Benign (1 of 4 stars; one submission).

Conditions:
DICER1-related tumor predisposition. Also called: DICER1-related pleuropulmonary blastoma cancer predisposition syndrome; DICER1 syndrome. Identifiers: Orphanet 284343, MedGen C3839822, MONDO:0100216.

Allele frequency attached by ClinVar (database versions not stated): gnomAD 0.00200 and 0.00238; TOPMed 0.00265; gnomAD exomes 0.00272; 1000 Genomes Project 30x 0.00375; 1000 Genomes Project 0.00399.
gnomAD v4.1: 602 of 232,430 alleles (0.26%); highest among the groups gnomAD compares: Middle Eastern, 2.4%; 4 homozygotes.

Submission:

Illumina Laboratory Services, Illumina
Classification: Benign for Pleuropulmonary blastoma. Last evaluated: 2018-01-13. Review status: criteria provided, single submitter. Criteria: ICSL Variant Classification Criteria 13 December 2019. Collection method: clinical testing. Allele origin: germline.
Comment: This variant was observed in the ICSL laboratory as part of a predisposition screen in an ostensibly healthy population. It had not been previously curated by ICSL or reported in the Human Gene Mutation Database (HGMD: prior to June 1st, 2018), and was therefore a candidate for classification through an automated scoring system. Utilizing variant allele frequency, disease prevalence and penetrance estimates, and inheritance mode, an automated score was calculated to assess if this variant is too frequent to cause the disease. Based on the score and internal cut-off values, a variant classified as benign is not then subjected to further curation. The score for this variant resulted in a classification of benign for this disease.